The following is an entry in ClinVar:

ClinVar aggregate classification (germline): Uncertain significance (1 of 4 stars; one submission).

Conditions:
Pheochromocytoma. Also called: MAX-Related Hereditary Paraganglioma-Pheochromocytoma Syndrome. Identifiers: Orphanet 29072, MedGen C0031511, MONDO:0008233, OMIM 171300, HP:0002666.
Gastrointestinal stromal tumor. Also called: Gastrointestinal stromal tumor, somatic; Gastrointestinal stroma tumor. Identifiers: Orphanet 44890, MedGen C0238198, MeSH D046152, MONDO:0011719, OMIM 606764, HP:0100723.
Pheochromocytoma/paraganglioma syndrome 4. Also called: CAROTID BODY TUMORS AND MULTIPLE EXTRAADRENAL PHEOCHROMOCYTOMAS; PARAGANGLIOMA, FAMILIAL MALIGNANT; PARAGANGLIOMAS, HEREDITARY EXTRAADRENAL; PHEOCHROMOCYTOMA, FAMILIAL EXTRAADRENAL; Paragangliomas 4; SDHB-Related Hereditary Paraganglioma-Pheochromocytoma Syndrome (Paragangliomas 4). Identifiers: Orphanet 29072, MedGen C1861848, MONDO:0007273, OMIM 115310.

Submission:

Labcorp Genetics (formerly Invitae), Labcorp
Classification: Uncertain significance for Gastrointestinal stromal tumor; Pheochromocytoma/paraganglioma syndrome 4; Pheochromocytoma. Last evaluated: 2024-01-11. Review status: criteria provided, single submitter. Criteria: Invitae Variant Classification Sherloc (09022015). Collection method: clinical testing. Allele origin: germline.
Comment: This sequence change replaces leucine, which is neutral and non-polar, with valine, which is neutral and non-polar, at codon 207 of the SDHB protein (p.Leu207Val). This variant is not present in population databases (gnomAD no frequency). This variant has not been reported in the literature in individuals affected with SDHB-related conditions. Advanced modeling of protein sequence and biophysical properties (such as structural, functional, and spatial information, amino acid conservation, physicochemical variation, residue mobility, and thermodynamic stability) performed at Invitae indicates that this missense variant is not expected to disrupt SDHB protein function with a negative predictive value of 80%. In summary, the available evidence is currently insufficient to determine the role of this variant in disease. Therefore, it has been classified as a Variant of Uncertain Significance.

NM_003000.3(SDHB):c.619C>G (p.Leu207Val)

Gene: SDHB (succinate dehydrogenase complex iron sulfur subunit B; minus strand). Cytogenetic location: 1p36.13.
Variant type: single nucleotide variant.
Coding change: c.619C>G on transcript NM_003000.3 (MANE Select); coding-DNA position 619, C replaced by G.
Protein change: p.Leu207Val; replaces leucine 207 with valine.
Molecular consequence: missense variant.
Genome position (GRCh38, 1-based): chr1:17,023,996, G>C on the plus strand (C>G on the coding strand, the complement: SDHB is on the minus strand). VCF-style: chr1-17023996-G-C. GRCh37 (hg19) VCF-style: chr1-17350491-G-C.
Other names: c.565C>G, p.Leu189Val (NM_001407361.1); short protein forms L189V, L207V.
Identifiers: ClinVar variation 2922126 (VCV002922126.3), dbSNP rs1570945806, ClinGen allele CA338270967.